The following is an entry in ClinVar:

ClinVar aggregate classification (germline): Conflicting classifications of pathogenicity. Review status: criteria provided, conflicting classifications (1 of 4 stars). 4 submissions from 4 submitters: Uncertain significance (3); Benign (1). Last evaluated 2025-12-15.

Conditions:
COL11A1-related disorder. Also called: COL11A1-related condition; COL11A1-related disorders.
Inborn genetic diseases. Identifiers: MedGen C0950123, MeSH D030342.

Allele frequency attached by ClinVar (database versions not stated): ExAC 0.00001; gnomAD 0.00001; TOPMed 0.00002.
gnomAD v4.1: 12 of 1,611,264 alleles (0.00074%); highest among the groups gnomAD compares: Admixed American, 0.018%; no homozygotes.

Submissions (4):

PreventionGenetics, part of Exact Sciences
Classification: Uncertain significance for COL11A1-related condition. Last evaluated: 2025-12-15. Review status: criteria provided, single submitter. Criteria: ACMG Guidelines, 2015. Collection method: clinical testing. Allele origin: germline.
Comment: The COL11A1 c.3175C>G variant is predicted to result in the amino acid substitution p.Pro1059Ala. To our knowledge, this variant has not been reported in the literature. This variant is reported in 0.026% of alleles in individuals of Latino descent in gnomAD. Although we suspect that this variant may be benign, at this time, the clinical significance of this variant is uncertain due to the absence of conclusive functional and genetic evidence.

Labcorp Genetics (formerly Invitae), Labcorp
Classification: Benign. Last evaluated: 2025-10-23. Review status: criteria provided, single submitter. Criteria: Invitae Variant Classification Sherloc (09022015). Collection method: clinical testing. Allele origin: germline.

GeneDx
Classification: Uncertain significance. Last evaluated: 2025-05-19. Review status: criteria provided, single submitter. Criteria: GeneDx Variant Classification Process June 2021. Collection method: clinical testing. Allele origin: germline. Affected: yes.
Comment: In silico analysis supports that this missense variant has a deleterious effect on protein structure/function; Has not been previously published as pathogenic or benign to our knowledge

Ambry Genetics
Classification: Uncertain significance for Inborn genetic diseases. Last evaluated: 2021-07-20. Review status: criteria provided, single submitter. Criteria: Ambry Variant Classification Scheme 2023. Collection method: clinical testing. Allele origin: germline.

NM_001854.4(COL11A1):c.3175C>G (p.Pro1059Ala)

Gene: COL11A1 (collagen type XI alpha 1 chain; minus strand). Cytogenetic location: 1p21.1.
Variant type: single nucleotide variant.
Coding change: c.3175C>G on transcript NM_001854.4 (MANE Select); coding-DNA position 3175, C replaced by G.
Protein change: p.Pro1059Ala; replaces proline 1059 with alanine.
Molecular consequence: missense variant. On other transcripts: non-coding transcript variant (1).
Genome position (GRCh38, 1-based): chr1:102,946,950, G>C on the plus strand (C>G on the coding strand, the complement: COL11A1 is on the minus strand). VCF-style: chr1-102946950-G-C. GRCh37 (hg19) VCF-style: chr1-103412506-G-C.
Other names: c.3175C>G (NM_001854.3); c.2827C>G, p.Pro943Ala (NM_001168249.1, NM_080630.4); c.3058C>G, p.Pro1020Ala (NM_001190709.2); c.3211C>G, p.Pro1071Ala (NM_080629.3); short protein forms P1020A, P1059A, P1071A, P943A.
Identifiers: ClinVar variation 1990098 (VCV001990098.9), dbSNP rs758428843, ClinGen allele CA974100.
Genomic context (GRCh38, chr1:102,946,950, plus strand): 5'-GTCCCGGGCGCCCTGGTAAACCAATTGGGCCAGCTGTACCTGCTGACCCACGTTCTCCTG[G>C]TGAGCCCTAGTATACAGGAAAAGAAGTATTTTGTTATTAAAGAAAGTAATACTGGCTTAA-3'
Protein context (NP_001845.3, residues 1049-1069): PQGPPGPVGS[Pro1059Ala]GERGSAGTAG